The following is an entry in ClinVar:

ClinVar aggregate classification (germline): Likely benign. Review status: criteria provided, multiple submitters, no conflicts (2 of 4 stars). 3 submissions from 3 submitters: Likely benign (2). 1 of the submissions does not count toward it. Last evaluated 2023-10-22.

Conditions:
GPAA1-related disorder. Also called: GPAA1-related condition.

Allele frequency attached by ClinVar (database versions not stated): ExAC 0.00001; TOPMed 0.00001; gnomAD exomes 0.00002.
gnomAD v4.1: 23 of 1,609,572 alleles (0.0014%); highest among the groups gnomAD compares: South Asian, 0.013%; no homozygotes.

Submissions (3):

Labcorp Genetics (formerly Invitae), Labcorp
Classification: Likely benign. Last evaluated: 2023-10-22. Review status: criteria provided, single submitter. Criteria: Invitae Variant Classification Sherloc (09022015). Collection method: clinical testing. Allele origin: germline.

Blueprint Genetics
Classification: Likely benign. Last evaluated: 2023-10-17. Review status: criteria provided, single submitter. Criteria: ACMG Guidelines, 2015. Collection method: clinical testing. Allele origin: germline.

PreventionGenetics, part of Exact Sciences
Classification: Likely benign for GPAA1-related condition. Last evaluated: 2019-10-01. Review status: no assertion criteria provided. Collection method: clinical testing. Allele origin: germline. Not counted in ClinVar's aggregate classification.
Comment: This variant is classified as likely benign based on ACMG/AMP sequence variant interpretation guidelines (Richards et al. 2015 PMID: 25741868, with internal and published modifications).

NM_003801.4(GPAA1):c.1659G>A (p.Pro553=)

Gene: GPAA1 (glycosylphosphatidylinositol anchor attachment 1; plus strand). Cytogenetic location: 8q24.3.
Variant type: single nucleotide variant.
Coding change: c.1659G>A on transcript NM_003801.4 (MANE Select); coding-DNA position 1659, G replaced by A.
Protein change: p.Pro553=; no amino-acid change (proline 553 retained).
Molecular consequence: synonymous variant.
Genome position (GRCh38, 1-based): chr8:144,085,918, G>A. VCF-style: chr8-144085918-G-A. GRCh37 (hg19) VCF-style: chr8-145140821-G-A.
Other names: c.1659G>A (NM_003801.3).
Identifiers: ClinVar variation 1922111 (VCV001922111.8), dbSNP rs367686000, ClinGen allele CA4933229.